The following is an entry in ClinVar:

ClinVar aggregate classification (germline): Pathogenic (1 of 4 stars; one submission).

Conditions:
T-B+ severe combined immunodeficiency due to JAK3 deficiency. Also called: SCID, T CELL-NEGATIVE, B CELL-POSITIVE, NK CELL-NEGATIVE; SCID, autosomal recessive, T-negative/B-positive type. Identifiers: Orphanet 35078, MedGen C1833275, MONDO:0010938, OMIM 600802.

Submission:

Labcorp Genetics (formerly Invitae), Labcorp
Classification: Pathogenic for T-B+ severe combined immunodeficiency due to JAK3 deficiency. Last evaluated: 2025-05-19. Review status: criteria provided, single submitter. Criteria: Invitae Variant Classification Sherloc (09022015). Collection method: clinical testing. Allele origin: germline.
Comment: This sequence change creates a premature translational stop signal (p.Trp1011*) in the JAK3 gene. It is expected to result in an absent or disrupted protein product. Loss-of-function variants in JAK3 are known to be pathogenic (PMID: 7481768, 11668621). This variant is not present in population databases (gnomAD no frequency). This variant has not been reported in the literature in individuals affected with JAK3-related conditions. For these reasons, this variant has been classified as Pathogenic.

Literature cited by the submitters: PubMed 7481768; PubMed 11668621.

NM_000215.4(JAK3):c.3033G>A (p.Trp1011Ter)

Gene: JAK3 (Janus kinase 3; minus strand). Cytogenetic location: 19p13.11.
Variant type: single nucleotide variant.
Coding change: c.3033G>A on transcript NM_000215.4 (MANE Select); coding-DNA position 3033, G replaced by A.
Protein change: p.Trp1011Ter; replaces tryptophan 1011 with a stop codon.
Molecular consequence: nonsense.
Genome position (GRCh38, 1-based): chr19:17,830,566, C>T on the plus strand (G>A on the coding strand, the complement: JAK3 is on the minus strand). VCF-style: chr19-17830566-C-T. GRCh37 (hg19) VCF-style: chr19-17941375-C-T.
Other names: c.3033G>A, p.Trp1011Ter (NM_001440439.1); short protein forms W1011*.
Identifiers: ClinVar variation 4742629 (VCV004742629.1).